The following is an entry in ClinVar:

ClinVar aggregate classification (germline): Conflicting classifications of pathogenicity. Review status: criteria provided, conflicting classifications (1 of 4 stars). 3 submissions from 3 submitters: Uncertain significance (2); Likely benign (1). Last evaluated 2025-10-09.

Conditions:
Hereditary cancer-predisposing syndrome. Also called: Hereditary neoplastic syndrome; Hereditary Cancer Syndrome; Neoplastic Syndromes, Hereditary; Tumor predisposition. Identifiers: Orphanet 140162, MedGen C0027672, MeSH D009386, MONDO:0015356.
Fanconi anemia complementation group O. Also called: RAD51C-Related Fanconi Anemia. Identifiers: Orphanet 84, MedGen C3150653, MONDO:0013248, OMIM 613390.

Allele frequency attached by ClinVar (database versions not stated): gnomAD exomes below 0.00001.

Submissions (3):

Ambry Genetics
Classification: Likely benign for Hereditary cancer-predisposing syndrome. Last evaluated: 2025-10-09. Review status: criteria provided, single submitter. Criteria: Ambry Variant Classification Scheme 2023. Collection method: clinical testing. Allele origin: germline.

Labcorp Genetics (formerly Invitae), Labcorp
Classification: Uncertain significance for Fanconi anemia complementation group O. Last evaluated: 2025-05-18. Review status: criteria provided, single submitter. Criteria: Invitae Variant Classification Sherloc (09022015). Collection method: clinical testing. Allele origin: germline.
Comment: This sequence change replaces glutamine, which is neutral and polar, with arginine, which is basic and polar, at codon 268 of the RAD51C protein (p.Gln268Arg). This variant is not present in population databases (gnomAD no frequency). This variant has not been reported in the literature in individuals affected with RAD51C-related conditions. ClinVar contains an entry for this variant (Variation ID: 420709). Invitae Evidence Modeling of protein sequence and biophysical properties (such as structural, functional, and spatial information, amino acid conservation, physicochemical variation, residue mobility, and thermodynamic stability) indicates that this missense variant is not expected to disrupt RAD51C protein function with a negative predictive value of 80%. In summary, the available evidence is currently insufficient to determine the role of this variant in disease. Therefore, it has been classified as a Variant of Uncertain Significance.

GeneDx
Classification: Uncertain significance. Last evaluated: 2016-03-22. Review status: criteria provided, single submitter. Criteria: GeneDx Variant Classification (06012015). Collection method: clinical testing. Allele origin: germline. Affected: yes.
Comment: This variant is denoted RAD51C c.803A>G at the cDNA level, p.Gln268Arg (Q268R) at the protein level, and results in the change of a Glutamine to an Arginine (CAA>CGA). This variant has not, to our knowledge, been published in the literature as pathogenic or benign. RAD51C Gln268Arg was not observed in approximately 6,500 individuals of European and African American ancestry in the NHLBI Exome Sequencing Project, suggesting it is not a common benign variant in these populations. Since Glutamine and Arginine differ in some properties, this is considered a semi-conservative amino acid substitution. RAD51C Gln268Arg occurs at a position that is conserved across species and is located within the ATPase domain (Kim 2011). In silico analyses are inconsistent regarding the effect this variant may have on protein structure and function. Based on currently available evidence, it is unclear whether RAD51C Gln268Arg is a pathogenic or benign variant. We consider it to be a variant of uncertain significance.

NM_058216.3(RAD51C):c.803A>G (p.Gln268Arg)

Gene: RAD51C (RAD51 paralog C; plus strand). Cytogenetic location: 17q22.
Variant type: single nucleotide variant.
Coding change: c.803A>G on transcript NM_058216.3 (MANE Select); coding-DNA position 803, A replaced by G.
Protein change: p.Gln268Arg; replaces glutamine 268 with arginine.
Molecular consequence: missense variant. On other transcripts: non-coding transcript variant (1).
Genome position (GRCh38, 1-based): chr17:58,709,956, A>G. VCF-style: chr17-58709956-A-G. GRCh37 (hg19) VCF-style: chr17-56787317-A-G.
Other names: short protein forms Q268R.
Identifiers: ClinVar variation 420709 (VCV000420709.15), dbSNP rs1064794654, ClinGen allele CA16620502.